The following is an entry in ClinVar:

NM_004168.4(SDHA):c.307G>A (p.Ala103Thr)

Gene: SDHA (succinate dehydrogenase complex flavoprotein subunit A; plus strand). Cytogenetic location: 5p15.33.
Variant type: single nucleotide variant.
Coding change: c.307G>A on transcript NM_004168.4 (MANE Select); coding-DNA position 307, G replaced by A.
Protein change: p.Ala103Thr; replaces alanine 103 with threonine.
Molecular consequence: missense variant.
Genome position (GRCh38, 1-based): chr5:224,516, G>A. VCF-style: chr5-224516-G-A. GRCh37 (hg19) VCF-style: chr5-224631-G-A.
Other names: c.307G>A, p.Ala103Thr (NM_001294332.2, NM_001330758.2); short protein forms A103T.
Identifiers: ClinVar variation 480803 (VCV000480803.9), dbSNP rs1553997389, ClinGen allele CA359008686.

ClinVar aggregate classification (germline): Uncertain significance. Review status: criteria provided, multiple submitters, no conflicts (2 of 4 stars). 2 submissions from 2 submitters: Uncertain significance (2). Last evaluated 2026-06-02.

Conditions:
Hereditary cancer-predisposing syndrome. Also called: Neoplastic Syndromes, Hereditary; Hereditary Cancer Syndrome; Hereditary neoplastic syndrome; Tumor predisposition. Identifiers: Orphanet 140162, MedGen C0027672, MeSH D009386, MONDO:0015356.
Mitochondrial complex II deficiency, nuclear type 1. Also called: SUCCINATE CoQ REDUCTASE DEFICIENCY. Identifiers: Orphanet 3208, MedGen C5700310, MONDO:0100294, OMIM 252011.
Pheochromocytoma/paraganglioma syndrome 5. Also called: Paragangliomas 5; SDHA-Related Hereditary Paraganglioma-Pheochromocytoma Syndrome. Identifiers: Orphanet 29072, MedGen C3279992, MONDO:0013602, OMIM 614165.

Submissions (2):

Ambry Genetics
Classification: Uncertain significance for Hereditary cancer-predisposing syndrome. Last evaluated: 2026-06-02. Review status: criteria provided, single submitter. Criteria: Ambry Variant Classification Scheme 2023. Collection method: clinical testing. Allele origin: germline.
Comment: The p.A103T variant (also known as c.307G>A), located in coding exon 3 of the SDHA gene, results from a G to A substitution at nucleotide position 307. The alanine at codon 103 is replaced by threonine, an amino acid with similar properties. This amino acid position is highly conserved in available vertebrate species. In addition, this alteration is predicted to be deleterious by in silico analysis. Based on the available evidence, the clinical significance of this variant remains unclear.

Labcorp Genetics (formerly Invitae), Labcorp
Classification: Uncertain significance for Pheochromocytoma/paraganglioma syndrome 5; Mitochondrial complex II deficiency, nuclear type 1. Last evaluated: 2023-02-25. Review status: criteria provided, single submitter. Criteria: Invitae Variant Classification Sherloc (09022015). Collection method: clinical testing. Allele origin: germline.
Comment: In summary, the available evidence is currently insufficient to determine the role of this variant in disease. Therefore, it has been classified as a Variant of Uncertain Significance. Advanced modeling of protein sequence and biophysical properties (such as structural, functional, and spatial information, amino acid conservation, physicochemical variation, residue mobility, and thermodynamic stability) has been performed at Invitae for this missense variant, however the output from this modeling did not meet the statistical confidence thresholds required to predict the impact of this variant on SDHA protein function. ClinVar contains an entry for this variant (Variation ID: 480803). This variant has not been reported in the literature in individuals affected with SDHA-related conditions. This variant is not present in population databases (gnomAD no frequency). This sequence change replaces alanine, which is neutral and non-polar, with threonine, which is neutral and polar, at codon 103 of the SDHA protein (p.Ala103Thr).